The following is an entry in ClinVar:

ClinVar aggregate classification (germline): Pathogenic. Review status: criteria provided, single submitter (1 of 4 stars). 2 submissions from 2 submitters: Pathogenic (1). 1 of the submissions does not count toward it. Last evaluated 2019-10-12.

Conditions:
Polyglucosan body myopathy 1 without immunodeficiency. Identifiers: MedGen C4017232.
Polyglucosan body myopathy type 1 (PGBM1). Also called: Polyglucosan body myopathy 1 with or without immunodeficiency; POLYGLUCOSAN BODY MYOPATHY WITHOUT IMMUNODEFICIENCY. Identifiers: Orphanet 329173, Orphanet 397937, MedGen C4014605, MONDO:0014389, OMIM 615895.

Submissions (2):

Labcorp Genetics (formerly Invitae), Labcorp
Classification: Pathogenic for Polyglucosan body myopathy type 1. Last evaluated: 2019-10-12. Review status: criteria provided, single submitter. Criteria: Invitae Variant Classification Sherloc (09022015). Collection method: clinical testing. Allele origin: germline.
Comment: This sequence change creates a premature translational stop signal (p.Gln264*) in the RBCK1 gene. It is expected to result in an absent or disrupted protein product. For these reasons, this variant has been classified as Pathogenic. Loss-of-function variants in RBCK1 are known to be pathogenic (PMID:23104095, 2379848, 23889995). This variant has been observed in an family affected with progressive muscular weakness and cardiomyopathy (PMID: 23889995). This variant is also known as p.Q222X in the literature. ClinVar contains an entry for this variant (Variation ID: 140629). This variant is not present in population databases (ExAC no frequency).

OMIM
Classification: Pathogenic for POLYGLUCOSAN BODY MYOPATHY 1 WITHOUT IMMUNODEFICIENCY. Last evaluated: 2013-01-01. Review status: no assertion criteria provided. Collection method: literature only. Allele origin: germline. Not counted in ClinVar's aggregate classification.

Literature cited by the submitters: PubMed 23104095 (cited by Labcorp Genetics (formerly Invitae), Labcorp); PubMed 2379848 (cited by Labcorp Genetics (formerly Invitae), Labcorp); PubMed 23889995 (cited by Labcorp Genetics (formerly Invitae), Labcorp and OMIM).

NM_031229.4(RBCK1):c.790C>T (p.Gln264Ter)

Gene: RBCK1 (RANBP2-type and C3HC4-type zinc finger containing 1; plus strand). Cytogenetic location: 20p13.
Variant type: single nucleotide variant.
Coding change: c.790C>T on transcript NM_031229.4 (MANE Select); coding-DNA position 790, C replaced by T.
Protein change: p.Gln264Ter; replaces glutamine 264 with a stop codon.
Molecular consequence: nonsense. On other transcripts: non-coding transcript variant (1), intron variant (2).
Genome position (GRCh38, 1-based): chr20:420,904, C>T. VCF-style: chr20-420904-C-T. GRCh37 (hg19) VCF-style: chr20-401548-C-T.
Other names: c.664C>T, p.Gln222Ter (NM_006462.6); c.407+1173C>T (NM_001323956.2, NM_001323958.2); short protein forms Q222*, Q264*.
Identifiers: ClinVar variation 140629 (VCV000140629.11), dbSNP rs587777561, ClinGen allele CA163463.